The following is an entry in ClinVar:

NM_130384.3(ATRIP):c.2104C>G (p.Arg702Gly)

Genes: ATRIP (ATR interacting protein; plus strand), ATRIP-TREX1 (ATRIP-TREX1 readthrough; plus strand). Cytogenetic location: 3p21.31.
Variant type: single nucleotide variant.
Coding change: c.2104C>G on transcript NM_130384.3 (MANE Select); coding-DNA position 2104, C replaced by G.
Protein change: p.Arg702Gly; replaces arginine 702 with glycine.
Molecular consequence: missense variant. On other transcripts: non-coding transcript variant (1).
Genome position (GRCh38, 1-based): chr3:48,464,879, C>G. VCF-style: chr3-48464879-C-G. GRCh37 (hg19) VCF-style: chr3-48506278-C-G.
Other names: c.1723C>G, p.Arg575Gly (NM_001271022.2); c.1825C>G, p.Arg609Gly (NM_001271023.2); c.2023C>G, p.Arg675Gly (NM_032166.4); short protein forms R575G, R609G, R675G, R702G.
Identifiers: ClinVar variation 3464753 (VCV003464753.1).

ClinVar aggregate classification (germline): Uncertain significance (1 of 4 stars; one submission).

gnomAD v4.1: 11 of 1,613,706 alleles (0.00068%); highest among the groups gnomAD compares: African/African-American, 0.015%; no homozygotes.

Submission:

Ambry Genetics
Classification: Uncertain significance. Last evaluated: 2024-11-28. Review status: criteria provided, single submitter. Criteria: Ambry Variant Classification Scheme 2023. Collection method: clinical testing. Allele origin: germline.
Comment: The p.R702G variant (also known as c.2104C>G), located in coding exon 12 of the ATRIP gene, results from a C to G substitution at nucleotide position 2104. The arginine at codon 702 is replaced by glycine, an amino acid with dissimilar properties. This amino acid position is conserved. In addition, the in silico prediction for this alteration is inconclusive. Based on the available evidence, the clinical significance of this variant remains unclear.